The following is an entry in ClinVar:

ClinVar aggregate classification (germline): Conflicting classifications of pathogenicity. Review status: criteria provided, conflicting classifications (1 of 4 stars). 2 submissions from 2 submitters: Uncertain significance (1); Likely benign (1). Last evaluated 2019-09-30.

Conditions:
Cardiovascular phenotype. Identifiers: MedGen CN230736.

Allele frequency attached by ClinVar (database versions not stated): gnomAD exomes 0.00001; TOPMed 0.00001; gnomAD 0.00002.
gnomAD v4.1: 18 of 1,613,664 alleles (0.0011%); highest among the groups gnomAD compares: Non-Finnish European, 0.0014%; no homozygotes.

Submissions (2):

Ambry Genetics
Classification: Uncertain significance for Cardiovascular phenotype. Last evaluated: 2019-09-30. Review status: criteria provided, single submitter. Criteria: Ambry Variant Classification Scheme 2023. Collection method: clinical testing. Allele origin: germline.
Comment: The p.R20049K variant (also known as c.60146G>A), located in coding exon 155 of the TTN gene, results from a G to A substitution at nucleotide position 60146. The arginine at codon 20049 is replaced by lysine, an amino acid with highly similar properties. This amino acid position is poorly conserved in available vertebrate species. In addition, this alteration is predicted to be tolerated by in silico analysis. Since supporting evidence is limited at this time, the clinical significance of this alteration remains unclear.

GeneDx
Classification: Likely benign. Last evaluated: 2017-08-03. Review status: criteria provided, single submitter. Criteria: GeneDx Variant Classification (06012015). Collection method: clinical testing. Allele origin: germline. Affected: yes.
Comment: This variant is considered likely benign or benign based on one or more of the following criteria: it is a conservative change, it occurs at a poorly conserved position in the protein, it is predicted to be benign by multiple in silico algorithms, and/or has population frequency not consistent with disease.

NM_001267550.2(TTN):c.87341G>A (p.Arg29114Lys)

Genes: TTN (titin; minus strand), TTN-AS1 (TTN antisense RNA 1; plus strand). Cytogenetic location: 2q31.2.
Variant type: single nucleotide variant.
Coding change: c.87341G>A on transcript NM_001267550.2 (MANE Select); coding-DNA position 87341, G replaced by A.
Protein change: p.Arg29114Lys; replaces arginine 29114 with lysine.
Molecular consequence: missense variant.
Genome position (GRCh38, 1-based): chr2:178,558,013, C>T on the plus strand (G>A on the coding strand, the complement: TTN is on the minus strand). VCF-style: chr2-178558013-C-T. GRCh37 (hg19) VCF-style: chr2-179422740-C-T.
Other names: c.82418G>A, p.Arg27473Lys (NM_001256850.1); c.60146G>A, p.Arg20049Lys (NM_003319.4); c.79637G>A, p.Arg26546Lys (NM_133378.4); c.60521G>A, p.Arg20174Lys (NM_133432.3); c.60722G>A, p.Arg20241Lys (NM_133437.4); short protein forms R27473K, R29114K, R20241K, R20174K, R26546K, R20049K.
Identifiers: ClinVar variation 511343 (VCV000511343.3), dbSNP rs1253866874, ClinGen allele CA349537117.